The following is an entry in ClinVar:

ClinVar aggregate classification (germline): Likely pathogenic (1 of 4 stars; one submission).

Conditions:
CEP164-related disorder. Also called: CEP164-related condition.

Submission:

PreventionGenetics, part of Exact Sciences
Classification: Likely pathogenic for CEP164-related condition. Last evaluated: 2025-09-02. Review status: criteria provided, single submitter. Criteria: ACMG Guidelines, 2015. Collection method: clinical testing. Allele origin: germline.
Comment: The CEP164 c.638delG variant is predicted to result in a frameshift and premature protein termination (p.Gly213Valfs*2). To our knowledge, this variant has not been reported in the literature or in a large population database (gnomAD), indicating this variant is rare. Frameshift variants in CEP164 are expected to be pathogenic. This variant is interpreted as likely pathogenic.

NM_014956.5(CEP164):c.638del (p.Gly213fs)

Gene: CEP164 (centrosomal protein 164; plus strand). Cytogenetic location: 11q23.3.
Variant type: Deletion.
Coding change: c.638del on transcript NM_014956.5 (MANE Select); coding-DNA position 638, one base deleted (G; older notation c.638delG).
Protein change: p.Gly213fs; shifts the reading frame from glycine 213.
Molecular consequence: frameshift variant.
Genome position (GRCh38, 1-based): chr11:117,362,489, G deleted; the last of 3 consecutive G bases (chr11:117,362,487-117,362,489); deleting any one gives the same sequence. VCF-style (leftmost placement, unchanged base first): chr11-117362486-TG-T. GRCh37 (hg19) VCF-style: chr11-117233202-TG-T.
Other names: c.638del, p.Gly213fs (NM_001271933.2, NM_001440949.1, NM_001440950.1 and 36 more transcripts); c.500del, p.Gly167fs (NM_001440960.1); short protein forms G213fs, G167fs.
Identifiers: ClinVar variation 4994921 (VCV004994921.1).